The following is an entry in ClinVar:

ClinVar aggregate classification (germline): Conflicting classifications of pathogenicity. Review status: criteria provided, conflicting classifications (1 of 4 stars). 5 submissions from 4 submitters: Uncertain significance (1); Benign (2); Likely benign (2). Last evaluated 2025-12-11.

Conditions:
Pseudohypoaldosteronism, type IB1, autosomal recessive. Also called: Pseudohypoaldosteronism, Type I, Recessive; PHA I, AUTOSOMAL RECESSIVE; Autosomal recessive pseudohypoaldosteronism type 1; Pseudohypoaldosteronism, Type I, Autosomal Recessive. Identifiers: Orphanet 171876, Orphanet 756, MedGen C5774176, MONDO:0009917, OMIM 264350.
Liddle syndrome 2. Identifiers: MedGen C4748251, MONDO:0020854, OMIM 618114.

Allele frequency attached by ClinVar (database versions not stated): ESP Exome Variant Server 0.00008; gnomAD 0.00015; TOPMed 0.00015; ExAC 0.00033; 1000 Genomes Project 0.00060; 1000 Genomes Project 30x 0.00062.
gnomAD v4.1: 142 of 1,614,250 alleles (0.0088%); highest among the groups gnomAD compares: East Asian, 0.21%; no homozygotes.

Submissions (5):

Labcorp Genetics (formerly Invitae), Labcorp
Classification: Benign. Last evaluated: 2025-12-11. Review status: criteria provided, single submitter. Criteria: Invitae Variant Classification Sherloc (09022015). Collection method: clinical testing. Allele origin: germline.

Blueprint Genetics
Classification: Likely benign. Last evaluated: 2024-11-27. Review status: criteria provided, single submitter. Criteria: ACMG Guidelines, 2015. Collection method: clinical testing. Allele origin: germline.

CeGaT Center for Human Genetics Tuebingen
Classification: Likely benign. Last evaluated: 2023-03-01. Review status: criteria provided, single submitter. Criteria: CeGaT Center For Human Genetics Tuebingen Variant Classification Criteria Version 2. Collection method: clinical testing. Allele origin: germline. Affected: yes. Observed: 1 variant allele.
Comment: SCNN1G: BP4, BP7

Illumina Laboratory Services, Illumina
Classification: Benign for Liddle syndrome 2. Last evaluated: 2018-01-13. Review status: criteria provided, single submitter. Criteria: ICSL Variant Classification Criteria 13 December 2019. Collection method: clinical testing. Allele origin: germline.
Comment: This variant was observed in the ICSL laboratory as part of a predisposition screen in an ostensibly healthy population. It had not been previously curated by ICSL or reported in the Human Gene Mutation Database (HGMD: prior to June 1st, 2018), and was therefore a candidate for classification through an automated scoring system. Utilizing variant allele frequency, disease prevalence and penetrance estimates, and inheritance mode, an automated score was calculated to assess if this variant is too frequent to cause the disease. Based on the score and internal cut-off values, a variant classified as benign is not then subjected to further curation. The score for this variant resulted in a classification of benign for this disease.

Illumina Laboratory Services, Illumina
Classification: Uncertain significance for Pseudohypoaldosteronism, type IB1, autosomal recessive. Last evaluated: 2018-01-13. Review status: criteria provided, single submitter. Criteria: ICSL Variant Classification Criteria 13 December 2019. Collection method: clinical testing. Allele origin: germline.

NM_001039.4(SCNN1G):c.477G>A (p.Pro159=)

Gene: SCNN1G (sodium channel epithelial 1 subunit gamma; plus strand). Cytogenetic location: 16p12.2.
Variant type: single nucleotide variant.
Coding change: c.477G>A on transcript NM_001039.4 (MANE Select); coding-DNA position 477, G replaced by A.
Protein change: p.Pro159=; no amino-acid change (proline 159 retained).
Molecular consequence: synonymous variant.
Genome position (GRCh38, 1-based): chr16:23,189,530, G>A. VCF-style: chr16-23189530-G-A. GRCh37 (hg19) VCF-style: chr16-23200851-G-A.
Identifiers: ClinVar variation 318349 (VCV000318349.32), dbSNP rs145602271, ClinGen allele CA7959583.
Genomic context (GRCh38, chr16:23,189,530, plus strand): 5'-GGCGGAGTCCTGGAACTCCGTCTCAGAGGGAAAGCAGCCTAGATTCTCCCACCGGATTCC[G>A]CTGCTGATCTTTGATCAGGATGAGAAGGGCAAGGCCAGGGACTTCTTCACAGGGAGGAAG-3'
Protein context (NP_001030.2, residues 149-169): GKQPRFSHRI[Pro159=]LLIFDQDEKG